The following is an entry in ClinVar:

NM_005993.5(TBCD):c.3113+1G>A

Gene: TBCD (tubulin folding cofactor D). Cytogenetic location: 17q25.3.
Variant type: single nucleotide variant.
Coding change: c.3113+1G>A on transcript NM_005993.5 (MANE Select); the canonical splice donor site of the intron after coding-DNA position 3113, G replaced by A.
Molecular consequence: splice donor variant.
Genome position (GRCh38, 1-based): chr17:82,930,644, G>A. VCF-style: chr17-82930644-G-A. GRCh37 (hg19) VCF-style: chr17-80888520-G-A.
Other names: c.3032+1G>A (NM_001411102.1); c.3062+1G>A (NM_001411101.1).
Identifiers: ClinVar variation 2758457 (VCV002758457.3), dbSNP rs2510782100, ClinGen allele CA401635385.

ClinVar aggregate classification (germline): Likely pathogenic (1 of 4 stars; one submission).

Submission:

Labcorp Genetics (formerly Invitae), Labcorp
Classification: Likely pathogenic. Last evaluated: 2023-09-06. Review status: criteria provided, single submitter. Criteria: Invitae Variant Classification Sherloc (09022015). Collection method: clinical testing. Allele origin: germline.
Comment: This variant is not present in population databases (gnomAD no frequency). This variant has not been reported in the literature in individuals affected with TBCD-related conditions. Algorithms developed to predict the effect of sequence changes on RNA splicing suggest that this variant may disrupt the consensus splice site. In summary, the currently available evidence indicates that the variant is pathogenic, but additional data are needed to prove that conclusively. Therefore, this variant has been classified as Likely Pathogenic. This sequence change affects a donor splice site in intron 33 of the TBCD gene. It is expected to disrupt RNA splicing. Variants that disrupt the donor or acceptor splice site typically lead to a loss of protein function (PMID: 16199547), and loss-of-function variants in TBCD are known to be pathogenic (PMID: 27666370, 27666374).

Literature cited by the submitters: PubMed 16199547; PubMed 27666370; PubMed 27666374.